The following is an entry in ClinVar:

NM_024312.5(GNPTAB):c.571+1G>A

Gene: GNPTAB (N-acetylglucosamine-1-phosphate transferase subunits alpha and beta; minus strand). Cytogenetic location: 12q23.2.
Variant type: single nucleotide variant.
Coding change: c.571+1G>A on transcript NM_024312.5 (MANE Select); the canonical splice donor site of the intron after coding-DNA position 571, G replaced by A.
Molecular consequence: splice donor variant.
Genome position (GRCh38, 1-based): chr12:101,786,011, C>T on the plus strand (G>A on the coding strand, the complement: GNPTAB is on the minus strand). VCF-style: chr12-101786011-C-T. GRCh37 (hg19) VCF-style: chr12-102179789-C-T.
Other names: c.571+1G>A (NM_024312.4).
Identifiers: ClinVar variation 1466167 (VCV001466167.7), dbSNP rs1412230289, ClinGen allele CA386304771.

ClinVar aggregate classification (germline): Likely pathogenic. Review status: criteria provided, multiple submitters, no conflicts (2 of 4 stars). 2 submissions from 2 submitters: Likely pathogenic (2). Last evaluated 2025-10-13.

Conditions:
Pseudo-Hurler polydystrophy. Also called: ML III; ML III ALPHA/BETA; Type III Mucolipidosis; ML IIIA; Mucolipidosis III Alpha/Beta; MUCOLIPIDOSIS IIIA. Identifiers: Orphanet 423461, Orphanet 577, MedGen C0033788, MONDO:0018931, OMIM 252600.
Mucolipidosis type II. Also called: ML II ALPHA/BETA; Mucolipidosis 2; ML 2; Inclusion cell disease; Leroy Disease; N-acetylglucosamine 1phosphotransferase deficiency. Identifiers: Orphanet 576, MedGen C2673377, MONDO:0009650, OMIM 252500.

Submissions (2):

Natera, Inc.
Classification: Likely pathogenic for Mucolipidosis type II. Last evaluated: 2025-10-13. Review status: criteria provided, single submitter. Criteria: Natera Variant Classification Schema (03/2026). Collection method: clinical testing. Allele origin: germline.
Comment: The c.571+1G>A variant in GNPTAB is a canonical splice donor site variant predicted to affect pre-mRNA splicing, which may result in an abnormal transcript and altered protein product. This variant is expected to result in nonsense mediated decay, truncation, or a dysfunctional protein product. This variant is rare in the general population with a frequency below the threshold expected for the associated phenotype(s). Given the available evidence, this variant is classified as Likely Pathogenic.

Labcorp Genetics (formerly Invitae), Labcorp
Classification: Likely pathogenic for Pseudo-Hurler polydystrophy; Mucolipidosis type II. Last evaluated: 2021-11-26. Review status: criteria provided, single submitter. Criteria: Invitae Variant Classification Sherloc (09022015). Collection method: clinical testing. Allele origin: germline.
Comment: This sequence change affects a donor splice site in intron 5 of the GNPTAB gene. It is expected to disrupt RNA splicing. Variants that disrupt the donor or acceptor splice site typically lead to a loss of protein function (PMID: 16199547), and loss-of-function variants in GNPTAB are known to be pathogenic (PMID: 19617216, 25107912). This variant is not present in population databases (gnomAD no frequency). Algorithms developed to predict the effect of sequence changes on RNA splicing suggest that this variant may disrupt the consensus splice site. This variant has not been reported in the literature in individuals affected with GNPTAB-related conditions. In summary, the currently available evidence indicates that the variant is pathogenic, but additional data are needed to prove that conclusively. Therefore, this variant has been classified as Likely Pathogenic.

Literature cited by the submitters: PubMed 16199547 (cited by Labcorp Genetics (formerly Invitae), Labcorp); PubMed 19617216 (cited by Labcorp Genetics (formerly Invitae), Labcorp); PubMed 25107912 (cited by Labcorp Genetics (formerly Invitae), Labcorp).